The following is an entry in ClinVar:

NM_018238.4(AGK):c.42A>G (p.Lys14=)

Gene: AGK (acylglycerol kinase; plus strand). Cytogenetic location: 7q34.
Variant type: single nucleotide variant.
Coding change: c.42A>G on transcript NM_018238.4 (MANE Select); coding-DNA position 42, A replaced by G.
Protein change: p.Lys14=; no amino-acid change (lysine 14 retained).
Molecular consequence: synonymous variant.
Genome position (GRCh38, 1-based): chr7:141,555,508, A>G. VCF-style: chr7-141555508-A-G. GRCh37 (hg19) VCF-style: chr7-141255308-A-G.
Other names: c.42A>G, p.Lys14= (NM_001364948.3); c.42A>G (NM_018238.3).
Identifiers: ClinVar variation 2929027 (VCV002929027.4), dbSNP rs762737147, ClinGen allele CA4517270.
Genomic context (GRCh38, chr7:141,555,508, plus strand): 5'-CCTAGCAAATCTCTAGAAGATGACGGTGTTCTTTAAAACGCTTCGAAATCACTGGAAGAA[A>G]ACTACAGCTGGGCTCTGCCTGCTGACCTGGGGAGGCCATTGGCTCTATGGAAAACACTGG-3'
Protein context (NP_060708.1, residues 4-24): FFKTLRNHWK[Lys14=]TTAGLCLLTW

ClinVar aggregate classification (germline): Conflicting classifications of pathogenicity. Review status: criteria provided, conflicting classifications (1 of 4 stars). 2 submissions from 2 submitters: Uncertain significance (1); Likely benign (1). Last evaluated 2025-04-24.

Conditions:
Cataract 38. Also called: Cataract, autosomal recessive congenital 5; Cataract 38, autosomal recessive. Identifiers: Orphanet 91492, MedGen C3553494, MONDO:0013859, OMIM 614691.
Sengers syndrome. Also called: MITOCHONDRIAL DNA DEPLETION SYNDROME 10 (CARDIOMYOPATHIC TYPE); Cardiomyopathy and cataract. Identifiers: Orphanet 1369, MedGen C1859317, MONDO:0008922, OMIM 212350.

Allele frequency attached by ClinVar (database versions not stated): gnomAD exomes below 0.00001; ExAC 0.00001; gnomAD 0.00002.
gnomAD v4.1: 6 of 1,613,986 alleles (0.00037%); highest among the groups gnomAD compares: Admixed American, 0.0083%; no homozygotes.

Submissions (2):

GeneDx
Classification: Uncertain significance. Last evaluated: 2025-04-24. Review status: criteria provided, single submitter. Criteria: GeneDx Variant Classification Process June 2021. Collection method: clinical testing. Allele origin: germline. Affected: yes.
Comment: Not observed at significant frequency in large population cohorts (gnomAD); In silico analysis indicates that this variant does not alter splicing; Has not been previously published as pathogenic or benign to our knowledge

Labcorp Genetics (formerly Invitae), Labcorp
Classification: Likely benign for Sengers syndrome; Cataract 38. Last evaluated: 2025-01-25. Review status: criteria provided, single submitter. Criteria: Invitae Variant Classification Sherloc (09022015). Collection method: clinical testing. Allele origin: germline.